The following is an entry in ClinVar:

NM_000501.4(ELN):c.1194G>A (p.Gly398=)

Gene: ELN (elastin; plus strand). Cytogenetic location: 7q11.23.
Variant type: single nucleotide variant.
Coding change: c.1194G>A on transcript NM_000501.4 (MANE Select); coding-DNA position 1194, G replaced by A.
Protein change: p.Gly398=; no amino-acid change (glycine 398 retained).
Molecular consequence: synonymous variant.
Genome position (GRCh38, 1-based): chr7:74,056,314, G>A. VCF-style: chr7-74056314-G-A. GRCh37 (hg19) VCF-style: chr7-73470644-G-A.
Other names: c.1164G>A, p.Gly388= (NM_001081752.3, NM_001278917.2); c.1209G>A, p.Gly403= (NM_001081753.3, NM_001081754.3); c.1194G>A, p.Gly398= (NM_001081755.3, NM_001278912.2, NM_001278915.2 and 1 more transcripts); c.1086G>A, p.Gly362= (NM_001278913.2); c.1179G>A, p.Gly393= (NM_001278914.2); c.1152G>A, p.Gly384= (NM_001278916.2); c.1062G>A, p.Gly354= (NM_001278918.2); c.1194G>A (NM_000501.3).
Identifiers: ClinVar variation 2731816 (VCV002731816.5), dbSNP rs1795207933, ClinGen allele CA455884664.

ClinVar aggregate classification (germline): Likely benign. Review status: criteria provided, single submitter (1 of 4 stars). 2 submissions from 2 submitters: Likely benign (1). 1 of the submissions does not count toward it. Last evaluated 2026-01-03.

Conditions:
ELN-related disorder.
Supravalvar aortic stenosis (SVAS). Also called: Supravalvar aortic stenosis, Eisenberg type. Identifiers: Orphanet 3193, MedGen C0003499, MONDO:0008504, OMIM 185500, HP:0004381.

Allele frequency attached by ClinVar (database versions not stated): gnomAD exomes 0.00001; TOPMed 0.00001.
gnomAD v4.1: 3 of 1,612,828 alleles (0.00019%); highest among the groups gnomAD compares: Non-Finnish European, 0.00025%; no homozygotes.

Submissions (2):

Labcorp Genetics (formerly Invitae), Labcorp
Classification: Likely benign for Supravalvar aortic stenosis. Last evaluated: 2026-01-03. Review status: criteria provided, single submitter. Criteria: Invitae Variant Classification Sherloc (09022015). Collection method: clinical testing. Allele origin: germline.

PreventionGenetics, part of Exact Sciences
Classification: Likely benign for ELN-related condition. Last evaluated: 2023-06-19. Review status: no assertion criteria provided. Collection method: clinical testing. Allele origin: germline. Not counted in ClinVar's aggregate classification.
Comment: This variant is classified as likely benign based on ACMG/AMP sequence variant interpretation guidelines (Richards et al. 2015 PMID: 25741868, with internal and published modifications).